The following is an entry in ClinVar:

NM_000069.3(CACNA1S):c.1207G>A (p.Gly403Ser)

Gene: CACNA1S (calcium voltage-gated channel subunit alpha1 S; minus strand). Cytogenetic location: 1q32.1.
Variant type: single nucleotide variant.
Coding change: c.1207G>A on transcript NM_000069.3 (MANE Select); coding-DNA position 1207, G replaced by A.
Protein change: p.Gly403Ser; replaces glycine 403 with serine.
Molecular consequence: missense variant.
Genome position (GRCh38, 1-based): chr1:201,084,975, C>T on the plus strand (G>A on the coding strand, the complement: CACNA1S is on the minus strand). VCF-style: chr1-201084975-C-T. GRCh37 (hg19) VCF-style: chr1-201054103-C-T.
Other names: short protein forms G403S.
Identifiers: ClinVar variation 4282015 (VCV004282015.1).

ClinVar aggregate classification (germline): Uncertain significance (1 of 4 stars; one submission).

Submission:

GeneDx
Classification: Uncertain significance. Last evaluated: 2025-04-14. Review status: criteria provided, single submitter. Criteria: GeneDx Variant Classification Process June 2021. Collection method: clinical testing. Allele origin: germline. Affected: yes.
Comment: Not observed at significant frequency in large population cohorts (gnomAD); In silico analysis supports that this missense variant has a deleterious effect on protein structure/function; Has not been previously published as pathogenic or benign to our knowledge